The following is an entry in ClinVar:

ClinVar aggregate classification (germline): Benign/Likely benign. Review status: criteria provided, multiple submitters, no conflicts (2 of 4 stars). 5 submissions from 5 submitters: Benign (2); Likely benign (3). Last evaluated 2026-01-26.

Conditions:
Hereditary cancer-predisposing syndrome. Also called: Hereditary Cancer Syndrome; Neoplastic Syndromes, Hereditary; Tumor predisposition; Hereditary neoplastic syndrome. Identifiers: Orphanet 140162, MedGen C0027672, MeSH D009386, MONDO:0015356.
Ataxia-telangiectasia syndrome (AT). Also called: Cerebello-oculocutaneous telangiectasia; Immunodeficiency with ataxia telangiectasia; Ataxia-telangiectasia, complementation group E; Ataxia-telangiectasia, complementation group D; AT, COMPLEMENTATION GROUP C; ATAXIA-TELANGIECTASIA, COMPLEMENTATION GROUP A. Identifiers: Orphanet 100, MedGen C0004135, MONDO:0008840, OMIM 208900.

Submissions (5):

Labcorp Genetics (formerly Invitae), Labcorp
Classification: Benign for Ataxia-telangiectasia syndrome. Last evaluated: 2026-01-26. Review status: criteria provided, single submitter. Criteria: Invitae Variant Classification Sherloc (09022015). Collection method: clinical testing. Allele origin: germline.

Center for Genomic Medicine, Rigshospitalet, Copenhagen University Hospital
Classification: Likely benign. Last evaluated: 2025-03-04. Review status: criteria provided, single submitter. Criteria: ACMG Guidelines, 2015. Collection method: clinical testing. Allele origin: germline.

Women's Health and Genetics/Laboratory Corporation of America, LabCorp
Classification: Benign. Last evaluated: 2024-12-18. Review status: criteria provided, single submitter. Criteria: LabCorp Variant Classification Summary - May 2015. Collection method: clinical testing. Allele origin: germline.
Comment: Variant summary: ATM c.7516-9delT alters a non-conserved nucleotide located in a poly-T(8) tract at a position not widely known to affect splicing. Consensus agreement among computation tools predict no significant impact on normal splicing. However, these predictions have yet to be confirmed by functional studies. The frequency data for this variant in gnomAD is considered unreliable, as metrics indicate poor data quality at this position. To our knowledge, no occurrence of c.7516-9delT in individuals affected with ATM-related conditions and no experimental evidence demonstrating its impact on protein function have been reported. ClinVar contains an entry for this variant (Variation ID: 495395). Based on the evidence outlined above, the variant was classified as benign.

GeneDx
Classification: Likely benign. Last evaluated: 2017-04-04. Review status: criteria provided, single submitter. Criteria: GeneDx Variant Classification (06012015). Collection method: clinical testing. Allele origin: germline. Affected: yes.
Comment: This variant is considered likely benign or benign based on one or more of the following criteria: it is a conservative change, it occurs at a poorly conserved position in the protein, it is predicted to be benign by multiple in silico algorithms, and/or has population frequency not consistent with disease.

Color Diagnostics, LLC DBA Color Health
Classification: Likely benign for Hereditary cancer-predisposing syndrome. Last evaluated: 2015-09-29. Review status: criteria provided, single submitter. Criteria: ACMG Guidelines, 2015. Collection method: clinical testing. Allele origin: germline.

NM_000051.4(ATM):c.7516-9del

Genes: ATM (ATM serine/threonine kinase; plus strand), C11orf65 (chromosome 11 open reading frame 65; minus strand). Cytogenetic location: 11q22.3.
Variant type: Deletion.
Coding change: c.7516-9del on transcript NM_000051.4 (MANE Select); 9 bases into the intron before coding-DNA position 7516, one base deleted (T; older notation c.7516-9delT).
Molecular consequence: intron variant. On other transcripts: non-coding transcript variant (1).
Genome position (GRCh38, 1-based): chr11:108,331,435, T deleted; the last of 8 consecutive T bases (chr11:108,331,428-108,331,435); deleting any one gives the same sequence. VCF-style (leftmost placement, unchanged base first): chr11-108331427-CT-C. GRCh37 (hg19) VCF-style: chr11-108202154-CT-C.
Other names: c.7516-9delT (NM_000051.3, NM_000051.4); c.7516-9del (NM_001351834.2); c.641-22357del (NM_001330368.2); c.*38+3792del (NM_001351110.2).
Identifiers: ClinVar variation 495395 (VCV000495395.14), dbSNP rs573494809, ClinGen allele CA6266134.